The following is an entry in ClinVar:

ClinVar aggregate classification (germline): Conflicting classifications of pathogenicity. Review status: criteria provided, conflicting classifications (1 of 4 stars). 3 submissions from 3 submitters: Likely pathogenic (1); Uncertain significance (2). Last evaluated 2023-12-18.

Conditions:
Arrhythmogenic right ventricular cardiomyopathy (ARVD). Also called: Cardiomyopathy, ARVC; Arrhythmogenic right ventricular dysplasia; Arrhythmogenic Right Ventricular Cardiomyopathy (ARVC); Arrhythmogenic cardiomyopathy. Identifiers: Orphanet 247, MedGen C0349788, MeSH D019571, MONDO:0016587. Disease mechanism: loss of function. Inheritance: Various modes of inheritance.
Cardiomyopathy (CMYO). Also called: Cardiomyopathies. Identifiers: Orphanet 167848, MedGen C0878544, MONDO:0004994, HP:0001638. Inheritance: Various modes of inheritance.
Arrhythmogenic right ventricular dysplasia 10. Also called: Arrhythmogenic right ventricular dysplasia/cardiomyopathy, type 10; Arrhythmogenic Right Ventricular Dysplasia/Cardiomyopathy10; ARRHYTHMOGENIC RIGHT VENTRICULAR DYSPLASIA, FAMILIAL, 10. Identifiers: MedGen C1857777, MONDO:0012434, OMIM 610193.

Submissions (3):

All of Us Research Program, National Institutes of Health
Classification: Uncertain significance for Arrhythmogenic right ventricular cardiomyopathy. Last evaluated: 2023-12-18. Review status: criteria provided, single submitter. Criteria: ACMG Guidelines, 2015. Collection method: clinical testing. Allele origin: germline. Inheritance: Autosomal dominant inheritance. Observed: 1 variant allele, 1 heterozygote.
Comment: This variant causes an A to G nucleotide substitution at the -2 position of intron 3 of the DSG2 gene. Splice prediction tools suggest that this variant may have a significant impact on splicing. To our knowledge, functional studies have not been reported for this variant. This variant has not been reported in individuals affected with cardiovascular disorders in the literature. This variant has not been identified in the general population by the Genome Aggregation Database (gnomAD). Although there is a suspicion for a pathogenic role, clinical significance of loss-of-function DSG2 variants in autosomal dominant arrhythmogenic cardiomyopathy is not yet clearly established. Therefore, this variant is classified as a Variant of Uncertain Significance.

This study involves interpretation of variants in research participants for the purpose of population health screening. Participant phenotype was not available at the time of variant classification. Additional details can be found in publication PMID: 35346344, PMCID: PMC8962531

Color Diagnostics, LLC DBA Color Health
Classification: Uncertain significance for Cardiomyopathy. Last evaluated: 2023-09-28. Review status: criteria provided, single submitter. Criteria: ACMG Guidelines, 2015. Collection method: clinical testing. Allele origin: germline.
Comment: This variant causes an A to G nucleotide substitution at the -2 position of intron 3 of the DSG2 gene. Splice prediction tools suggest that this variant may have a significant impact on splicing. To our knowledge, functional studies have not been reported for this variant. This variant has not been reported in individuals affected with cardiovascular disorders in the literature. This variant has not been identified in the general population by the Genome Aggregation Database (gnomAD). Although there is a suspicion for a pathogenic role, clinical significance of loss-of-function DSG2 variants in autosomal dominant arrhythmogenic cardiomyopathy is not yet clearly established. Therefore, this variant is classified as a Variant of Uncertain Significance.

Labcorp Genetics (formerly Invitae), Labcorp
Classification: Likely pathogenic for Arrhythmogenic right ventricular dysplasia 10. Last evaluated: 2021-04-27. Review status: criteria provided, single submitter. Criteria: Invitae Variant Classification Sherloc (09022015). Collection method: clinical testing. Allele origin: germline.
Comment: In summary, the currently available evidence indicates that the variant is pathogenic, but additional data are needed to prove that conclusively. Therefore, this variant has been classified as Likely Pathogenic. Algorithms developed to predict the effect of sequence changes on RNA splicing suggest that this variant may disrupt the consensus splice site, but this prediction has not been confirmed by published transcriptional studies. This variant has not been reported in the literature in individuals with DSG2-related conditions. This variant is not present in population databases (ExAC no frequency). This sequence change affects an acceptor splice site in intron 3 of the DSG2 gene. It is expected to disrupt RNA splicing. Variants that disrupt the donor or acceptor splice site typically lead to a loss of protein function (PMID: 16199547), and loss-of-function variants in DSG2 are known to be pathogenic (PMID: 23381804, 23911551).

Literature cited by the submitters: PubMed 16199547 (cited by Labcorp Genetics (formerly Invitae), Labcorp); PubMed 23381804 (cited by Labcorp Genetics (formerly Invitae), Labcorp); PubMed 23911551 (cited by Labcorp Genetics (formerly Invitae), Labcorp).

NM_001943.5(DSG2):c.217-2A>G

Gene: DSG2 (desmoglein 2; plus strand). Cytogenetic location: 18q12.1.
Variant type: single nucleotide variant.
Coding change: c.217-2A>G on transcript NM_001943.5 (MANE Select); the canonical splice acceptor site of the intron before coding-DNA position 217, A replaced by G.
Molecular consequence: splice acceptor variant.
Genome position (GRCh38, 1-based): chr18:31,520,801, A>G. VCF-style: chr18-31520801-A-G. GRCh37 (hg19) VCF-style: chr18-29100764-A-G.
Identifiers: ClinVar variation 1332180 (VCV001332180.13), dbSNP rs2144315483, ClinGen allele CA402131142.